The following is an entry in ClinVar:

NM_000095.3(COMP):c.2032G>A (p.Asp678Asn)

Gene: COMP (cartilage oligomeric matrix protein; minus strand). Cytogenetic location: 19p13.11.
Variant type: single nucleotide variant.
Coding change: c.2032G>A on transcript NM_000095.3 (MANE Select); coding-DNA position 2032, G replaced by A.
Protein change: p.Asp678Asn; replaces aspartic acid 678 with asparagine.
Molecular consequence: missense variant.
Genome position (GRCh38, 1-based): chr19:18,784,246, C>T on the plus strand (G>A on the coding strand, the complement: COMP is on the minus strand). VCF-style: chr19-18784246-C-T. GRCh37 (hg19) VCF-style: chr19-18895056-C-T.
Other names: short protein forms D678N.
Identifiers: ClinVar variation 2512325 (VCV002512325.5), dbSNP rs867986409, ClinGen allele CA306252916.

ClinVar aggregate classification (germline): Uncertain significance. Review status: criteria provided, multiple submitters, no conflicts (2 of 4 stars). 3 submissions from 3 submitters: Uncertain significance (3). Last evaluated 2025-03-24.

Conditions:
Inborn genetic diseases. Identifiers: MedGen C0950123, MeSH D030342.

Allele frequency attached by ClinVar (database versions not stated): gnomAD exomes 0.00001; TOPMed 0.00001.
gnomAD v4.1: 11 of 1,614,100 alleles (0.00068%); highest among the groups gnomAD compares: Middle Eastern, 0.083%; no homozygotes.

Submissions (3):

Labcorp Genetics (formerly Invitae), Labcorp
Classification: Uncertain significance. Last evaluated: 2025-03-24. Review status: criteria provided, single submitter. Criteria: Invitae Variant Classification Sherloc (09022015). Collection method: clinical testing. Allele origin: germline.
Comment: This sequence change replaces aspartic acid, which is acidic and polar, with asparagine, which is neutral and polar, at codon 678 of the COMP protein (p.Asp678Asn). This variant is present in population databases (no rsID available, gnomAD 0.003%). This variant has not been reported in the literature in individuals affected with COMP-related conditions. ClinVar contains an entry for this variant (Variation ID: 2512325). Invitae Evidence Modeling of protein sequence and biophysical properties (such as structural, functional, and spatial information, amino acid conservation, physicochemical variation, residue mobility, and thermodynamic stability) indicates that this missense variant is not expected to disrupt COMP protein function with a negative predictive value of 80%. In summary, the available evidence is currently insufficient to determine the role of this variant in disease. Therefore, it has been classified as a Variant of Uncertain Significance.

Women's Health and Genetics/Laboratory Corporation of America, LabCorp
Classification: Uncertain significance. Last evaluated: 2025-02-06. Review status: criteria provided, single submitter. Criteria: LabCorp Variant Classification Summary - May 2015. Collection method: clinical testing. Allele origin: germline.
Comment: Variant summary: COMP c.2032G>A (p.Asp678Asn) results in a conservative amino acid change located in the Thrombospondin C-terminal domain of the encoded protein sequence. Four of five in-silico tools predict a damaging effect of the variant on protein function. The variant allele was found at a frequency of 8e-06 in 251438 control chromosomes. The available data on variant occurrences in the general population are insufficient to allow any conclusion about variant significance. To our knowledge, no occurrence of c.2032G>A in individuals affected with COMP-Related Disorders and no experimental evidence demonstrating its impact on protein function have been reported. ClinVar contains an entry for this variant (Variation ID: 2512325). Based on the evidence outlined above, the variant was classified as uncertain significance.

Ambry Genetics
Classification: Uncertain significance for Inborn genetic diseases. Last evaluated: 2023-06-06. Review status: criteria provided, single submitter. Criteria: Ambry Variant Classification Scheme 2023. Collection method: clinical testing. Allele origin: germline.